The following is an entry in ClinVar:

NM_001750.7(CAST):c.694G>T (p.Gly232Ter)

Gene: CAST (calpastatin; plus strand). Cytogenetic location: 5q15.
Variant type: single nucleotide variant.
Coding change: c.694G>T on transcript NM_001750.7 (MANE Select); coding-DNA position 694, G replaced by T.
Protein change: p.Gly232Ter; replaces glycine 232 with a stop codon.
Molecular consequence: nonsense. On other transcripts: intron variant (1).
Genome position (GRCh38, 1-based): chr5:96,736,235, G>T. VCF-style: chr5-96736235-G-T. GRCh37 (hg19) VCF-style: chr5-96071939-G-T.
Other names: c.571G>T, p.Gly191Ter (NM_001042440.5, NM_001330627.2); c.637G>T, p.Gly213Ter (NM_001042441.3, NM_001330626.2); c.628G>T, p.Gly210Ter (NM_001042442.3, NM_001329966.1); c.445G>T, p.Gly149Ter (NM_001042443.3, NM_001190442.2, NM_001330631.2); c.322G>T, p.Gly108Ter (NM_001042444.3, NM_001042446.3, NM_001284212.4 and 1 more transcripts); c.379G>T, p.Gly127Ter (NM_001042445.3, NM_001330632.2, NM_173060.5); c.526G>T, p.Gly176Ter (NM_001330628.2); c.649G>T, p.Gly217Ter (NM_001330629.2); and 3 more; short protein forms G108*, G127*, G130*, G149*, G176*, G191*, G195*, G210*.
Identifiers: ClinVar variation 2571227 (VCV002571227.27), dbSNP rs1761614594, ClinGen allele CA360479376.
Genomic context (GRCh38, chr5:96,736,235, plus strand): 5'-AAAGAAAAGAAATCATTAACCCCAGCTGTGCCAGTTGAATCTAAACCGGATAAACCATCG[G>T]GAAAGGTATGAAGACAACAGTGTCCTTCTACATGAGACAGTTACTCATATGCTCTGTATT-3'

ClinVar aggregate classification (germline): Pathogenic (1 of 4 stars; one submission).

Submission:

CeGaT Center for Human Genetics Tuebingen
Classification: Pathogenic. Last evaluated: 2023-06-01. Review status: criteria provided, single submitter. Criteria: CeGaT Center For Human Genetics Tuebingen Variant Classification Criteria Version 2. Collection method: clinical testing. Allele origin: germline. Affected: yes. Observed: 1 variant allele.
Comment: CAST: PVS1, PM2